The following is an entry in ClinVar:

NM_022458.4(LMBR1):c.423+5205A>C

Genes: LMBR1 (limb development membrane protein 1; minus strand), SHH (sonic hedgehog signaling molecule; minus strand), ZRS (ZPA regulatory sequence; plus strand). Cytogenetic location: 7q36.3.
Variant type: single nucleotide variant.
Coding change: c.423+5205A>C on transcript NM_022458.4 (MANE Select); 5205 bases into the intron after coding-DNA position 423, A replaced by C.
Molecular consequence: intron variant.
Genome position (GRCh38, 1-based): chr7:156,791,184, T>G on the plus strand (A>C on the coding strand, the complement: LMBR1 is on the minus strand). VCF-style: chr7-156791184-T-G. GRCh37 (hg19) VCF-style: chr7-156583878-T-G.
Other names: c.360+5205A>C (NM_001363412.2); c.144+5205A>C (NM_001350954.2); c.423+5205A>C (NM_001363410.2, NM_001363409.2, NM_001350953.2); c.-112+5205A>C (NM_001350958.2, NM_001350956.2, NM_001350955.2 and 1 more transcripts); c.54+5205A>C (NM_001350957.2, NM_001363411.2).
Identifiers: ClinVar variation 3045218 (VCV003045218.3), dbSNP rs771804518, ClinGen allele CA169823447.

ClinVar aggregate classification (germline): Likely benign. Review status: criteria provided, single submitter (1 of 4 stars). 2 submissions from 2 submitters: Likely benign (1). 1 of the submissions does not count toward it. Last evaluated 2025-09-05.

Conditions:
SHH-related disorder. Also called: SHH-related disorders; SHH-related condition.

Allele frequency attached by ClinVar (database versions not stated): 1000 Genomes Project 30x 0.00016; gnomAD 0.00033; TOPMed 0.00040.
gnomAD v4.1: 58 of 152,318 alleles (0.038%); highest among the groups gnomAD compares: Non-Finnish European, 0.069%; no homozygotes.

Submissions (2):

Labcorp Genetics (formerly Invitae), Labcorp
Classification: Likely benign. Last evaluated: 2025-09-05. Review status: criteria provided, single submitter. Criteria: Invitae Variant Classification Sherloc (09022015). Collection method: clinical testing. Allele origin: germline.

PreventionGenetics, part of Exact Sciences
Classification: Likely benign for SHH-related condition. Last evaluated: 2023-10-13. Review status: no assertion criteria provided. Collection method: clinical testing. Allele origin: germline. Not counted in ClinVar's aggregate classification.
Comment: This variant is classified as likely benign based on ACMG/AMP sequence variant interpretation guidelines (Richards et al. 2015 PMID: 25741868, with internal and published modifications).